The following is an entry in ClinVar:

ClinVar aggregate classification (germline): Uncertain significance (1 of 4 stars; one submission).

Submission:

Greenwood Genetic Center Diagnostic Laboratories, Greenwood Genetic Center
Classification: Uncertain significance. Last evaluated: 2025-06-26. Review status: criteria provided, single submitter. Criteria: ACMG Guidelines, 2015. Collection method: clinical testing. Allele origin: germline. Affected: yes.
Comment: PM2

NM_002547.3(OPHN1):c.*3432T>C

Gene: OPHN1 (oligophrenin 1; minus strand). Cytogenetic location: Xq12.
Variant type: single nucleotide variant.
Coding change: c.*3432T>C on transcript NM_002547.3 (MANE Select); 3432 bases downstream of the stop codon, T replaced by C.
Molecular consequence: 3 prime UTR variant.
Genome position (GRCh38, 1-based): chrX:68,043,740, A>G on the plus strand (T>C on the coding strand, the complement: OPHN1 is on the minus strand). VCF-style: chrX-68043740-A-G. GRCh37 (hg19) VCF-style: chrX-67263582-A-G.
Other names: c.*3432T>C (NM_001437258.1).
Identifiers: ClinVar variation 4538345 (VCV004538345.1).